The following is an entry in ClinVar:

ClinVar aggregate classification (germline): Conflicting classifications of pathogenicity. Review status: criteria provided, conflicting classifications (1 of 4 stars). 2 submissions from 2 submitters: Likely pathogenic (1); Uncertain significance (1). Last evaluated 2022-09-23.

Conditions:
Gillespie syndrome (GLSP). Also called: Aniridia-cerebellar ataxia-intellectual disability syndrome; Aniridia, cerebellar ataxia, and mental deficiency. Identifiers: Orphanet 1065, MedGen C0431401, MONDO:0008795, OMIM 206700.

Submissions (2):

Baylor Genetics
Classification: Likely pathogenic for Gillespie syndrome. Last evaluated: 2022-09-23. Review status: criteria provided, single submitter. Criteria: ACMG Guidelines, 2015. Collection method: clinical testing. Allele origin: unknown.

GeneDx
Classification: Uncertain significance. Last evaluated: 2022-06-16. Review status: criteria provided, single submitter. Criteria: GeneDx Variant Classification Process June 2021. Collection method: clinical testing. Allele origin: germline. Affected: yes.
Comment: Not observed at significant frequency in large population cohorts (gnomAD); In silico analysis supports that this missense variant has a deleterious effect on protein structure/function; Has not been previously published as pathogenic or benign to our knowledge

NM_001378452.1(ITPR1):c.7811T>C (p.Leu2604Pro)

Genes: ITPR1 (inositol 1,4,5-trisphosphate receptor type 1; plus strand), LOC126806590 (MED14-independent group 3 enhancer GRCh37_chr3:4855759-4856958; plus strand). Cytogenetic location: 3p26.1.
Variant type: single nucleotide variant.
Coding change: c.7811T>C on transcript NM_001378452.1 (MANE Select); coding-DNA position 7811, T replaced by C.
Protein change: p.Leu2604Pro; replaces leucine 2604 with proline.
Molecular consequence: missense variant.
Genome position (GRCh38, 1-based): chr3:4,815,162, T>C. VCF-style: chr3-4815162-T-C. GRCh37 (hg19) VCF-style: chr3-4856846-T-C.
Other names: c.7667T>C, p.Leu2556Pro (NM_001099952.4); c.7766T>C, p.Leu2589Pro (NM_001168272.2); c.7622T>C, p.Leu2541Pro (NM_002222.7); c.7667T>C (NM_001099952.3); short protein forms L2541P, L2556P, L2589P, L2604P.
Identifiers: ClinVar variation 1804311 (VCV001804311.2), dbSNP rs2470181227, ClinGen allele CA351649799.